The following is an entry in ClinVar:

ClinVar aggregate classification (germline): Uncertain significance (1 of 4 stars; one submission).

Allele frequency attached by ClinVar (database versions not stated): gnomAD exomes below 0.00001; TOPMed below 0.00001.
gnomAD v4.1: 1 of 1,614,194 alleles (0.000062%); highest among the groups gnomAD compares: Admixed American, 0.0017%; no homozygotes.

Submission:

Labcorp Genetics (formerly Invitae), Labcorp
Classification: Uncertain significance. Last evaluated: 2023-12-22. Review status: criteria provided, single submitter. Criteria: Invitae Variant Classification Sherloc (09022015). Collection method: clinical testing. Allele origin: germline.
Comment: This sequence change replaces leucine, which is neutral and non-polar, with glutamine, which is neutral and polar, at codon 459 of the WDR11 protein (p.Leu459Gln). This variant is present in population databases (no rsID available, gnomAD 0.003%). This variant has not been reported in the literature in individuals affected with WDR11-related conditions. ClinVar contains an entry for this variant (Variation ID: 1918332). An algorithm developed to predict the effect of missense changes on protein structure and function (PolyPhen-2) suggests that this variant is likely to be disruptive. In summary, the available evidence is currently insufficient to determine the role of this variant in disease. Therefore, it has been classified as a Variant of Uncertain Significance.

NM_018117.12(WDR11):c.1376T>A (p.Leu459Gln)

Gene: WDR11 (WD repeat domain 11; plus strand). Cytogenetic location: 10q26.12.
Variant type: single nucleotide variant.
Coding change: c.1376T>A on transcript NM_018117.12 (MANE Select); coding-DNA position 1376, T replaced by A.
Protein change: p.Leu459Gln; replaces leucine 459 with glutamine.
Molecular consequence: missense variant.
Genome position (GRCh38, 1-based): chr10:120,871,251, T>A. VCF-style: chr10-120871251-T-A. GRCh37 (hg19) VCF-style: chr10-122630763-T-A.
Other names: short protein forms L459Q.
Identifiers: ClinVar variation 1918332 (VCV001918332.5), dbSNP rs890227701, ClinGen allele CA214282797.